The following is an entry in ClinVar:

NM_002890.3(RASA1):c.334G>A (p.Gly112Arg)

Gene: RASA1 (RAS p21 protein activator 1; plus strand). Cytogenetic location: 5q14.3.
Variant type: single nucleotide variant.
Coding change: c.334G>A on transcript NM_002890.3 (MANE Select); coding-DNA position 334, G replaced by A.
Protein change: p.Gly112Arg; replaces glycine 112 with arginine.
Molecular consequence: missense variant.
Genome position (GRCh38, 1-based): chr5:87,268,785, G>A. VCF-style: chr5-87268785-G-A. GRCh37 (hg19) VCF-style: chr5-86564602-G-A.
Other names: short protein forms G112R.
Identifiers: ClinVar variation 1413094 (VCV001413094.9), dbSNP rs2112222851, ClinGen allele CA360417191.

ClinVar aggregate classification (germline): Uncertain significance. Review status: criteria provided, multiple submitters, no conflicts (2 of 4 stars). 2 submissions from 2 submitters: Uncertain significance (2). Last evaluated 2021-02-03.

Conditions:
Capillary malformation-arteriovenous malformation syndrome. Also called: Capillary malformation-arteriovenous malformation. Identifiers: Orphanet 137667, MedGen C1842180, MONDO:0012016.
Basal cell carcinoma, susceptibility to, 1. Also called: BCC1. Identifiers: MedGen C2751544, MONDO:0011556, OMIM 605462.
Capillary malformation-arteriovenous malformation 1 (CMAVM1). Identifiers: Orphanet 137667, Orphanet 693907, MedGen C4747394, MONDO:0020783, OMIM 608354.

Submissions (2):

Labcorp Genetics (formerly Invitae), Labcorp
Classification: Uncertain significance for Capillary malformation-arteriovenous malformation syndrome. Last evaluated: 2021-02-03. Review status: criteria provided, single submitter. Criteria: Invitae Variant Classification Sherloc (09022015). Collection method: clinical testing. Allele origin: germline.
Comment: This sequence change replaces glycine with arginine at codon 112 of the RASA1 protein (p.Gly112Arg). The glycine residue is weakly conserved and there is a moderate physicochemical difference between glycine and arginine. This variant is not present in population databases (ExAC no frequency). This variant has not been reported in the literature in individuals with RASA1-related conditions. Algorithms developed to predict the effect of missense changes on protein structure and function are either unavailable or do not agree on the potential impact of this missense change (SIFT: "Deleterious"; PolyPhen-2: "Probably Damaging"; Align-GVGD: "Class C0"). In summary, the available evidence is currently insufficient to determine the role of this variant in disease. Therefore, it has been classified as a Variant of Uncertain Significance.

Center for Genomics, Ann and Robert H. Lurie Children's Hospital of Chicago
Classification: Uncertain significance for Capillary malformation-arteriovenous malformation 1; Basal cell carcinoma, susceptibility to, 1. Review status: criteria provided, single submitter. Criteria: ACMG Guidelines, 2015. Collection method: clinical testing. Allele origin: germline.
Comment: RASA1 NM_002890.2 exon 1 p.Gly112Arg (c.334G>A): This variant has not been reported in the literature and is not present in large control databases. Evolutionary conservation and computational predictive tools for this variant are unclear. In summary, data on this variant is insufficient for disease classification. Therefore, the clinical significance of this variant is uncertain.